The following is an entry in ClinVar:

ClinVar aggregate classification (germline): Uncertain significance. Review status: criteria provided, multiple submitters, no conflicts (2 of 4 stars). 2 submissions from 2 submitters: Uncertain significance (2). Last evaluated 2025-02-27.

Conditions:
Cardiovascular phenotype. Identifiers: MedGen CN230736.
Arrhythmogenic cardiomyopathy with wooly hair and keratoderma. Also called: Dilated cardiomyopathy with woolly hair and keratoderma; PALMOPLANTAR KERATODERMA WITH LEFT VENTRICULAR CARDIOMYOPATHY AND WOOLLY HAIR; Arrhythmogenic cardiomyopathy with woolly hair and keratoderma; Carvajal syndrome. Identifiers: Orphanet 65282, MedGen C1854063, MONDO:0011581, OMIM 605676.
Arrhythmogenic right ventricular dysplasia 8 (ARVD8). Also called: Arrhythmogenic Right Ventricular Dysplasia/Cardiomyopathy 8; ARRHYTHMOGENIC RIGHT VENTRICULAR DYSPLASIA, FAMILIAL, 8; ARRHYTHMOGENIC RIGHT VENTRICULAR CARDIOMYOPATHY 8. Identifiers: MedGen C1843896, MONDO:0011831, OMIM 607450.

Submissions (2):

Labcorp Genetics (formerly Invitae), Labcorp
Classification: Uncertain significance for Arrhythmogenic cardiomyopathy with wooly hair and keratoderma; Arrhythmogenic right ventricular dysplasia 8. Last evaluated: 2025-02-27. Review status: criteria provided, single submitter. Criteria: Invitae Variant Classification Sherloc (09022015). Collection method: clinical testing. Allele origin: germline.
Comment: This variant, c.2473_2475del, results in the deletion of 1 amino acid(s) of the DSP protein (p.Leu825del), but otherwise preserves the integrity of the reading frame. This variant is not present in population databases (gnomAD no frequency). This variant has not been reported in the literature in individuals affected with DSP-related conditions. Experimental studies and prediction algorithms are not available or were not evaluated, and the functional significance of this variant is currently unknown. In summary, the available evidence is currently insufficient to determine the role of this variant in disease. Therefore, it has been classified as a Variant of Uncertain Significance.

Ambry Genetics
Classification: Uncertain significance for Cardiovascular phenotype. Last evaluated: 2023-04-20. Review status: criteria provided, single submitter. Criteria: Ambry Variant Classification Scheme 2023. Collection method: clinical testing. Allele origin: germline.
Comment: The c.2473_2475delTTG variant (also known as p.L825del) is located in coding exon 18 of the DSP gene. This variant results from an in-frame TTG deletion at nucleotide positions 2473 to 2475. This results in the in-frame deletion of a leucine at codon 825. This amino acid position is well conserved in available vertebrate species. In addition, this alteration is predicted to be deleterious by in silico analysis (Choi Y et al. PLoS ONE. 2012; 7(10):e46688). Since supporting evidence is limited at this time, the clinical significance of this alteration remains unclear.

NM_004415.4(DSP):c.2470TTG[1] (p.Leu825del)

Gene: DSP (desmoplakin; plus strand). Cytogenetic location: 6p24.3.
Variant type: Microsatellite.
Coding change: c.2470TTG[1] on transcript NM_004415.4 (MANE Select); one copy of the 3-base unit TTG starting at c.2470; the reference has two copies in a row; one copy, 3 bases deleted.
Protein change: p.Leu825del; deletes leucine 825.
Molecular consequence: inframe deletion. On other transcripts: inframe indel (2).
Genome position (GRCh38, 1-based): chr6:7,575,331-7,575,333, TTG deleted; deleting any 3 consecutive bases within chr6:7,575,327-7,575,333 gives the same sequence; the position shown is the placement nearest the transcript's 3' end. VCF-style (leftmost placement, unchanged base first): chr6-7575326-CGTT-C. GRCh37 (hg19) VCF-style: chr6-7575559-CGTT-C.
Other names: c.2470TTG[1], p.Leu825del (NM_001008844.3, NM_001319034.2); c.2470_2472TTG[1], p.Leu825del (NM_004415.2); c.2473_2475delTTG (NM_004415.2); short protein forms L825del.
Identifiers: ClinVar variation 2567521 (VCV002567521.3), dbSNP rs1759202338, ClinGen allele CA1608607192.